The following is an entry in ClinVar:

ClinVar aggregate classification (germline): Uncertain significance (1 of 4 stars; one submission).

Conditions:
Cohen syndrome (COH1). Also called: Cutis verticis gyrata, retinitis pigmentosa, and sensorineural deafness; PEPPER SYNDROME. Identifiers: Orphanet 193, MedGen C0265223, MONDO:0008999, OMIM 216550.

gnomAD v4.1: 2 of 1,613,752 alleles (0.00012%); highest among the groups gnomAD compares: Non-Finnish European, 0.00017%; no homozygotes.

Submission:

Labcorp Genetics (formerly Invitae), Labcorp
Classification: Uncertain significance for Cohen syndrome. Last evaluated: 2022-05-30. Review status: criteria provided, single submitter. Criteria: Invitae Variant Classification Sherloc (09022015). Collection method: clinical testing. Allele origin: germline.
Comment: This sequence change replaces tryptophan, which is neutral and slightly polar, with glycine, which is neutral and non-polar, at codon 3032 of the VPS13B protein (p.Trp3032Gly). This variant is not present in population databases (gnomAD no frequency). This variant has not been reported in the literature in individuals affected with VPS13B-related conditions. Algorithms developed to predict the effect of missense changes on protein structure and function are either unavailable or do not agree on the potential impact of this missense change (SIFT: "Not Available"; PolyPhen-2: "Benign"; Align-GVGD: "Not Available"). In summary, the available evidence is currently insufficient to determine the role of this variant in disease. Therefore, it has been classified as a Variant of Uncertain Significance.

NM_152564.5(VPS13B):c.9019T>G (p.Trp3007Gly)

Gene: VPS13B (vacuolar protein sorting 13 homolog B; plus strand). Cytogenetic location: 8q22.2.
Variant type: single nucleotide variant.
Coding change: c.9019T>G on transcript NM_152564.5 (MANE Select); coding-DNA position 9019, T replaced by G.
Protein change: p.Trp3007Gly; replaces tryptophan 3007 with glycine.
Molecular consequence: missense variant.
Genome position (GRCh38, 1-based): chr8:99,821,318, T>G. VCF-style: chr8-99821318-T-G. GRCh37 (hg19) VCF-style: chr8-100833546-T-G.
Other names: c.9094T>G, p.Trp3032Gly (NM_017890.5); short protein forms W3032G, W3007G.
Identifiers: ClinVar variation 2001109 (VCV002001109.1), dbSNP rs2492020335, ClinGen allele CA371777951.